The following is an entry in ClinVar:

ClinVar aggregate classification (germline): Uncertain significance (1 of 4 stars; one submission).

Submission:

Labcorp Genetics (formerly Invitae), Labcorp
Classification: Uncertain significance. Last evaluated: 2021-03-29. Review status: criteria provided, single submitter. Criteria: Invitae Variant Classification Sherloc (09022015). Collection method: clinical testing. Allele origin: germline.
Comment: This sequence change replaces phenylalanine with serine at codon 551 of the ARMC9 protein (p.Phe551Ser). The phenylalanine residue is moderately conserved and there is a large physicochemical difference between phenylalanine and serine. In summary, the available evidence is currently insufficient to determine the role of this variant in disease. Therefore, it has been classified as a Variant of Uncertain Significance. Experimental studies and prediction algorithms are not available or were not evaluated, and the functional significance of this variant is currently unknown. This variant has not been reported in the literature in individuals with ARMC9-related conditions. This variant is not present in population databases (ExAC no frequency).

NM_001352754.2(ARMC9):c.1652T>C (p.Phe551Ser)

Gene: ARMC9 (armadillo repeat containing 9; plus strand). Cytogenetic location: 2q37.1.
Variant type: single nucleotide variant.
Coding change: c.1652T>C on transcript NM_001352754.2 (MANE Select); coding-DNA position 1652, T replaced by C.
Protein change: p.Phe551Ser; replaces phenylalanine 551 with serine.
Molecular consequence: missense variant. On other transcripts: non-coding transcript variant (1).
Genome position (GRCh38, 1-based): chr2:231,291,378, T>C. VCF-style: chr2-231291378-T-C. GRCh37 (hg19) VCF-style: chr2-232156091-T-C.
Other names: c.1652T>C, p.Phe551Ser (NM_001271466.4, NM_001291656.2, NM_001352755.2 and 3 more transcripts); c.1553T>C, p.Phe518Ser (NM_001352757.2, NM_001352758.2); short protein forms F518S, F551S.
Identifiers: ClinVar variation 1382998 (VCV001382998.6), dbSNP rs2125472033, ClinGen allele CA350957402.
Genomic context (GRCh38, chr2:231,291,378, plus strand): 5'-GAAATGTTAACTATTACTTTCGCCAATACTTCTAGGGAATGGAAGACATCCTACGCTGCT[T>C]CATCAAAGAAGGCAATGCTGAAATGATCCGCCAGATAGAATTCATCATCAAGCAGCTAAA-3'
Protein context (NP_001339683.2, residues 541-561): AMGMEDILRC[Phe551Ser]IKEGNAEMIR